The following is an entry in ClinVar:

NM_006005.3(WFS1):c.758A>G (p.Lys253Arg)

Gene: WFS1 (wolframin ER transmembrane glycoprotein; plus strand). Cytogenetic location: 4p16.1.
Variant type: single nucleotide variant.
Coding change: c.758A>G on transcript NM_006005.3 (MANE Select); coding-DNA position 758, A replaced by G.
Protein change: p.Lys253Arg; replaces lysine 253 with arginine.
Molecular consequence: missense variant.
Genome position (GRCh38, 1-based): chr4:6,295,086, A>G. VCF-style: chr4-6295086-A-G. GRCh37 (hg19) VCF-style: chr4-6296813-A-G.
Other names: c.758A>G, p.Lys253Arg (NM_001145853.1); short protein forms K253R.
Identifiers: ClinVar variation 3590675 (VCV003590675.3).

ClinVar aggregate classification (germline): Uncertain significance. Review status: criteria provided, multiple submitters, no conflicts (2 of 4 stars). 2 submissions from 2 submitters: Uncertain significance (2). Last evaluated 2025-09-23.

Conditions:
Autosomal dominant nonsyndromic hearing loss 6 (LFSNHL). Also called: DEAFNESS, AUTOSOMAL DOMINANT 6; DEAFNESS, AUTOSOMAL DOMINANT 14; DEAFNESS, AUTOSOMAL DOMINANT 38; Autosomal dominant nonsyndromic deafness 6. Identifiers: Orphanet 90635, MedGen C1833021, MONDO:0010963, OMIM 600965.
Type 2 diabetes mellitus. Also called: Type II diabetes mellitus. Identifiers: MedGen C0011860, MeSH D003924, MONDO:0005148, OMIM 125853, HP:0005978.
Wolfram-like syndrome. Also called: HEARING LOSS, PROGRESSIVE, WITH OPTIC ATROPHY AND/OR IMPAIRED GLUCOSE REGULATION. Identifiers: Orphanet 411590, MedGen C3280358, MONDO:0013673, OMIM 614296.
Wolfram syndrome 1 (WFS1). Identifiers: Orphanet 3463, MedGen C4551693, MONDO:0009101, OMIM 222300.
Cataract 41 (CTRCT41). Also called: CATARACT 41, CONGENITAL NUCLEAR TYPE. Identifiers: Orphanet 91492, Orphanet 98991, Orphanet 98992, Orphanet 98995, MedGen C3805412, MONDO:0007287, OMIM 116400.

gnomAD v4.1: 2 of 1,613,474 alleles (0.00012%); highest among the groups gnomAD compares: East Asian, 0.0045%; no homozygotes.

Submissions (2):

Labcorp Genetics (formerly Invitae), Labcorp
Classification: Uncertain significance. Last evaluated: 2025-09-23. Review status: criteria provided, single submitter. Criteria: Invitae Variant Classification Sherloc (09022015). Collection method: clinical testing. Allele origin: germline.
Comment: This sequence change replaces lysine, which is basic and polar, with arginine, which is basic and polar, at codon 253 of the WFS1 protein (p.Lys253Arg). This variant is present in population databases (no rsID available, gnomAD 0.006%). This variant has not been reported in the literature in individuals affected with WFS1-related conditions. ClinVar contains an entry for this variant (Variation ID: 3590675). Invitae Evidence Modeling of protein sequence and biophysical properties (such as structural, functional, and spatial information, amino acid conservation, physicochemical variation, residue mobility, and thermodynamic stability) indicates that this missense variant is not expected to disrupt WFS1 protein function with a negative predictive value of 95%. In summary, the available evidence is currently insufficient to determine the role of this variant in disease. Therefore, it has been classified as a Variant of Uncertain Significance.

Fulgent Genetics
Classification: Uncertain significance for Cataract 41; Type 2 diabetes mellitus; Wolfram syndrome 1; Autosomal dominant nonsyndromic hearing loss 6; Wolfram-like syndrome. Last evaluated: 2023-12-27. Review status: criteria provided, single submitter. Criteria: ACMG Guidelines, 2015. Collection method: clinical testing. Allele origin: germline.